The following is an entry in ClinVar:

NM_006005.3(WFS1):c.1523_1524del (p.Tyr508fs)

Gene: WFS1 (wolframin ER transmembrane glycoprotein; plus strand). Cytogenetic location: 4p16.1.
Variant type: Deletion.
Coding change: c.1523_1524del on transcript NM_006005.3 (MANE Select); coding-DNA positions 1523 to 1524, 2 bases deleted (AT; older notation c.1523_1524delAT).
Protein change: p.Tyr508fs; shifts the reading frame from tyrosine 508.
Molecular consequence: frameshift variant.
Genome position (GRCh38, 1-based): chr4:6,301,318-6,301,319, AT deleted; deleting any 2 consecutive bases within chr4:6,301,317-6,301,319 gives the same sequence; the c. name uses the placement nearest the transcript's 3' end. VCF-style (leftmost placement, unchanged base first): chr4-6301316-CTA-C. GRCh37 (hg19) VCF-style: chr4-6303043-CTA-C.
Other names: c.1523_1524del, p.Tyr508fs (NM_001145853.1); c.1522_1523del (NM_006005.3); short protein forms Y508fs.
Identifiers: ClinVar variation 2203519 (VCV002203519.7), dbSNP rs748205778, ClinGen allele CA2839388.

ClinVar aggregate classification (germline): Pathogenic/Likely pathogenic. Review status: criteria provided, multiple submitters, no conflicts (2 of 4 stars). 3 submissions from 2 submitters: Pathogenic (2); Likely pathogenic (1). Last evaluated 2024-06-26.

Conditions:
Wolfram syndrome 1 (WFS1). Identifiers: Orphanet 3463, MedGen C4551693, MONDO:0009101, OMIM 222300.
Wolfram-like syndrome. Also called: HEARING LOSS, PROGRESSIVE, WITH OPTIC ATROPHY AND/OR IMPAIRED GLUCOSE REGULATION. Identifiers: Orphanet 411590, MedGen C3280358, MONDO:0013673, OMIM 614296.

Submissions (3):

Labcorp Genetics (formerly Invitae), Labcorp
Classification: Pathogenic. Last evaluated: 2024-06-26. Review status: criteria provided, single submitter. Criteria: Invitae Variant Classification Sherloc (09022015). Collection method: clinical testing. Allele origin: germline.
Comment: This sequence change creates a premature translational stop signal (p.Tyr508Cysfs*34) in the WFS1 gene. While this is not anticipated to result in nonsense mediated decay, it is expected to disrupt the last 383 amino acid(s) of the WFS1 protein. This variant is present in population databases (rs748205778, gnomAD 0.002%). This premature translational stop signal has been observed in individual(s) with autosomal recessive Wolfram syndrome (PMID: 9817917, 31850070). This variant is also known as 1523delAT, c.1522_1523delTA. ClinVar contains an entry for this variant (Variation ID: 2203519). This variant disrupts a region of the WFS1 protein in which other variant(s) (p.Glu752*) have been determined to be pathogenic (PMID: 15277431, 23981289). This suggests that this is a clinically significant region of the protein, and that variants that disrupt it are likely to be disease-causing. For these reasons, this variant has been classified as Pathogenic.

Department Of Endocrinology, Sanjay Gandhi Postgraduate Institute Of Medical Sciences
Classification: Likely pathogenic for Wolfram-like syndrome. Last evaluated: 2023-08-15. Review status: criteria provided, single submitter. Criteria: ACMG Guidelines, 2015. Collection method: research. Allele origin: maternal. Inheritance: Autosomal dominant inheritance. Affected: yes. Observed: 1 heterozygote.
Comment: A heterozygous two base pair deletion in exon 8 of the WFS1 gene (chr4:g.6303044_6303045del) that results in a frameshift and premature truncation of the protein 34 amino acids downstream to codon 508 (p.Tyr508CysfsTer34). This variant has not been reported in the 1000 genomes and gnomAD databases. The in silico prediction# of the variant is damaging by MutationTaster2. The reference codon is conserved across species. PVS1, PM2.

Department Of Endocrinology, Sanjay Gandhi Postgraduate Institute Of Medical Sciences
Classification: Pathogenic for Wolfram syndrome 1. Last evaluated: 2023-07-17. Review status: criteria provided, single submitter. Criteria: ACMG Guidelines, 2015. Collection method: clinical testing. Allele origin: germline. Inheritance: Autosomal recessive inheritance. Affected: yes. Observed: 1 homozygote.

Literature cited by the submitters: PubMed 9817917 (cited by Labcorp Genetics (formerly Invitae), Labcorp and Department Of Endocrinology, Sanjay Gandhi Postgraduate Institute Of Medical Sciences); PubMed 31850070 (cited by Labcorp Genetics (formerly Invitae), Labcorp); PubMed 15277431 (cited by Labcorp Genetics (formerly Invitae), Labcorp); PubMed 23981289 (cited by Labcorp Genetics (formerly Invitae), Labcorp); PubMed 32938580 (cited by Department Of Endocrinology, Sanjay Gandhi Postgraduate Institute Of Medical Sciences).